The following is an entry in ClinVar:

ClinVar aggregate classification (germline): Uncertain significance. Review status: criteria provided, multiple submitters, no conflicts (2 of 4 stars). 3 submissions from 3 submitters: Uncertain significance (3). Last evaluated 2023-02-03.

Conditions:
Weill-Marchesani 4 syndrome, recessive. Also called: Weill-Marchesani syndrome 4. Identifiers: Orphanet 363992, MedGen C2750787, MONDO:0013176, OMIM 613195.

Allele frequency attached by ClinVar (database versions not stated): gnomAD exomes 0.00001; gnomAD 0.00002; TOPMed 0.00002.
gnomAD v4.1: 16 of 1,614,066 alleles (0.00099%); highest among the groups gnomAD compares: Middle Eastern, 0.016%; no homozygotes.

Submissions (3):

GeneDx
Classification: Uncertain significance. Last evaluated: 2023-02-03. Review status: criteria provided, single submitter. Criteria: GeneDx Variant Classification Process June 2021. Collection method: clinical testing. Allele origin: germline. Affected: yes.
Comment: In silico analysis supports that this missense variant does not alter protein structure/function; Has not been previously published as pathogenic or benign to our knowledge

Labcorp Genetics (formerly Invitae), Labcorp
Classification: Uncertain significance. Last evaluated: 2022-05-05. Review status: criteria provided, single submitter. Criteria: Invitae Variant Classification Sherloc (09022015). Collection method: clinical testing. Allele origin: germline.
Comment: This sequence change replaces serine, which is neutral and polar, with arginine, which is basic and polar, at codon 174 of the ADAMTS17 protein (p.Ser174Arg). This variant is present in population databases (rs761591792, gnomAD 0.03%). This variant has not been reported in the literature in individuals affected with ADAMTS17-related conditions. ClinVar contains an entry for this variant (Variation ID: 315317). Algorithms developed to predict the effect of missense changes on protein structure and function are either unavailable or do not agree on the potential impact of this missense change (SIFT: "Not Available"; PolyPhen-2: "Benign"; Align-GVGD: "Not Available"). In summary, the available evidence is currently insufficient to determine the role of this variant in disease. Therefore, it has been classified as a Variant of Uncertain Significance.

Illumina Laboratory Services, Illumina
Classification: Uncertain significance for Weill-Marchesani 4 syndrome, recessive. Last evaluated: 2018-01-13. Review status: criteria provided, single submitter. Criteria: ICSL Variant Classification Criteria 13 December 2019. Collection method: clinical testing. Allele origin: germline.

NM_139057.4(ADAMTS17):c.520A>C (p.Ser174Arg)

Gene: ADAMTS17 (ADAM metallopeptidase with thrombospondin type 1 motif 17; minus strand). Cytogenetic location: 15q26.3.
Variant type: single nucleotide variant.
Coding change: c.520A>C on transcript NM_139057.4 (MANE Select); coding-DNA position 520, A replaced by C.
Protein change: p.Ser174Arg; replaces serine 174 with arginine.
Molecular consequence: missense variant.
Genome position (GRCh38, 1-based): chr15:100,330,985, T>G on the plus strand (A>C on the coding strand, the complement: ADAMTS17 is on the minus strand). VCF-style: chr15-100330985-T-G. GRCh37 (hg19) VCF-style: chr15-100871190-T-G.
Other names: short protein forms S174R.
Identifiers: ClinVar variation 315317 (VCV000315317.7), dbSNP rs761591792, ClinGen allele CA7758707.